The following is an entry in ClinVar:

NM_001364905.1(LRBA):c.584A>G (p.Lys195Arg)

Gene: LRBA (LPS responsive beige-like anchor protein; minus strand). Cytogenetic location: 4q31.3.
Variant type: single nucleotide variant.
Coding change: c.584A>G on transcript NM_001364905.1 (MANE Select); coding-DNA position 584, A replaced by G.
Protein change: p.Lys195Arg; replaces lysine 195 with arginine.
Molecular consequence: missense variant.
Genome position (GRCh38, 1-based): chr4:150,921,259, T>C on the plus strand (A>G on the coding strand, the complement: LRBA is on the minus strand). VCF-style: chr4-150921259-T-C. GRCh37 (hg19) VCF-style: chr4-151842411-T-C.
Other names: p.Lys195Arg; c.584A>G, p.Lys195Arg (NM_001199282.3, NM_001367550.1, NM_001440430.1 and 2 more transcripts); short protein forms K195R.
Identifiers: ClinVar variation 4541006 (VCV004541006.1).

ClinVar aggregate classification (germline): Uncertain significance (1 of 4 stars; one submission).

Submission:

Mayo Clinic Laboratories, Mayo Clinic
Classification: Uncertain significance. Last evaluated: 2025-07-01. Review status: criteria provided, single submitter. Criteria: ACMG Guidelines, 2015. Collection method: clinical testing. Allele origin: germline. Observed: 1 variant allele.
Comment: BP4_moderate, PM2_supporting